The following is an entry in ClinVar:

ClinVar aggregate classification (germline): Uncertain significance. Review status: criteria provided, multiple submitters, no conflicts (2 of 4 stars). 3 submissions from 3 submitters: Uncertain significance (3). Last evaluated 2026-04-02.

Conditions:
Cardiovascular phenotype. Identifiers: MedGen CN230736.
Duchenne muscular dystrophy (DMD). Also called: MUSCULAR DYSTROPHY, PSEUDOHYPERTROPHIC PROGRESSIVE, DUCHENNE TYPE; Duchenne Muscular Dystrophy (DMD). Identifiers: Orphanet 98896, MedGen C0013264, MONDO:0010679, OMIM 310200.

Allele frequency attached by ClinVar (database versions not stated): ExAC 0.00001.

Submissions (3):

Women's Health and Genetics/Laboratory Corporation of America, LabCorp
Classification: Uncertain significance. Last evaluated: 2026-04-02. Review status: criteria provided, single submitter. Criteria: LabCorp Variant Classification Summary - May 2015. Collection method: clinical testing. Allele origin: germline.
Comment: Variant summary: DMD c.5913T>G (p.Phe1971Leu) results in a non-conservative amino acid change in the encoded protein sequence. Algorithms developed to predict the effect of missense changes on protein structure and function are either unavailable or do not agree on the potential impact of this missense change. The frequency data for this variant in gnomAD is considered unreliable, as metrics indicate poor data quality at this position. c.5913T>G has been observed in one individual affected with features of Duchenne Muscular Dystrophy (Saad_1998). These report(s) do not provide unequivocal conclusions about association of the variant with Duchenne Muscular Dystrophy. To our knowledge, no experimental evidence demonstrating an impact on protein function has been reported. The following publication has been ascertained in the context of this evaluation (PMID: 9805122). ClinVar contains an entry for this variant (Variation ID: 2200241). Based on the evidence outlined above, the variant was classified as uncertain significance.

Labcorp Genetics (formerly Invitae), Labcorp
Classification: Uncertain significance for Duchenne muscular dystrophy. Last evaluated: 2024-04-17. Review status: criteria provided, single submitter. Criteria: Invitae Variant Classification Sherloc (09022015). Collection method: clinical testing. Allele origin: germline.
Comment: This sequence change replaces phenylalanine, which is neutral and non-polar, with leucine, which is neutral and non-polar, at codon 1971 of the DMD protein (p.Phe1971Leu). This variant is not present in population databases (gnomAD no frequency). This variant has not been reported in the literature in individuals affected with DMD-related conditions. ClinVar contains an entry for this variant (Variation ID: 2200241). Advanced modeling of protein sequence and biophysical properties (such as structural, functional, and spatial information, amino acid conservation, physicochemical variation, residue mobility, and thermodynamic stability) performed at Invitae indicates that this missense variant is not expected to disrupt DMD protein function with a negative predictive value of 95%. In summary, the available evidence is currently insufficient to determine the role of this variant in disease. Therefore, it has been classified as a Variant of Uncertain Significance.

Ambry Genetics
Classification: Uncertain significance for Cardiovascular phenotype. Last evaluated: 2023-01-31. Review status: criteria provided, single submitter. Criteria: Ambry Variant Classification Scheme 2023. Collection method: clinical testing. Allele origin: germline.
Comment: The p.F1971L variant (also known as c.5913T>G), located in coding exon 41 of the DMD gene, results from a T to G substitution at nucleotide position 5913. The phenylalanine at codon 1971 is replaced by leucine, an amino acid with highly similar properties. This amino acid position is not well conserved in available vertebrate species. In addition, this alteration is predicted to be tolerated by in silico analysis. Since supporting evidence is limited at this time, the clinical significance of this alteration remains unclear.

Literature cited by the submitters: PubMed 9805122 (cited by Women's Health and Genetics/Laboratory Corporation of America, LabCorp and Ambry Genetics).

NM_004006.3(DMD):c.5913T>G (p.Phe1971Leu)

Gene: DMD (dystrophin; minus strand). Cytogenetic location: Xp21.1.
Variant type: single nucleotide variant.
Coding change: c.5913T>G on transcript NM_004006.3 (MANE Select); coding-DNA position 5913, T replaced by G.
Protein change: p.Phe1971Leu; replaces phenylalanine 1971 with leucine.
Molecular consequence: missense variant.
Genome position (GRCh38, 1-based): chrX:32,342,109, A>C on the plus strand (T>G on the coding strand, the complement: DMD is on the minus strand). VCF-style: chrX-32342109-A-C. GRCh37 (hg19) VCF-style: chrX-32360226-A-C.
Other names: c.5889T>G, p.Phe1963Leu (NM_000109.4); c.5901T>G, p.Phe1967Leu (NM_004009.3); c.5544T>G, p.Phe1848Leu (NM_004010.3); c.1890T>G, p.Phe630Leu (NM_004011.4); c.1881T>G, p.Phe627Leu (NM_004012.4); short protein forms F627L, F1848L, F1971L, F1963L, F1967L, F630L.
Identifiers: ClinVar variation 2200241 (VCV002200241.6), dbSNP rs755877797, ClinGen allele CA10378580.
Genomic context (GRCh38, chrX:32,342,109, plus strand): 5'-AATAGAGTAGTAGTTGCAAACACATACGTGGGTTTGCCAGTAACAACTCACAATTTGTGC[A>C]AAGTTGAGTCTTCGAAACTGAGCAAATTTGCTCTCAATTTCCCGCCAGCGCTTGCTGAGC-3'
Protein context (NP_003997.2, residues 1961-1981): SKFAQFRRLN[Phe1971Leu]AQIHTVREET